The following is an entry in ClinVar:

ClinVar aggregate classification (germline): Uncertain significance. Review status: criteria provided, multiple submitters, no conflicts (2 of 4 stars). 2 submissions from 2 submitters: Uncertain significance (2). Last evaluated 2025-11-28.

Conditions:
Hypopigmentation-punctate palmoplantar keratoderma syndrome. Also called: Cole disease; GUTTATE HYPOPIGMENTATION AND PUNCTATE PALMOPLANTAR KERATODERMA WITH OR WITHOUT ECTOPIC CALCIFICATION. Identifiers: Orphanet 324561, MedGen C3809781, MONDO:0014227, OMIM 615522.
Arterial calcification, generalized, of infancy, 1 (GACI1). Also called: Idiopathic Infantile Arterial Calcification. Identifiers: Orphanet 51608, MedGen C4551985, MONDO:0008817, OMIM 208000.
Hypophosphatemic rickets, autosomal recessive, 2 (ARHR2). Identifiers: Orphanet 289176, MedGen C2750078, MONDO:0013219, OMIM 613312.
Inherited obesity. Also called: Monogenic Obesity. Identifiers: Orphanet 77828, MedGen C4054476, MONDO:0019182, OMIM 601665.
Type 2 diabetes mellitus. Also called: Type II diabetes mellitus. Identifiers: MedGen C0011860, MeSH D003924, MONDO:0005148, OMIM 125853, HP:0005978.

Allele frequency attached by ClinVar (database versions not stated): TOPMed below 0.00001; ExAC 0.00001; gnomAD exomes 0.00001.
gnomAD v4.1: 7 of 1,613,910 alleles (0.00043%); highest among the groups gnomAD compares: Admixed American, 0.0067%; no homozygotes.

Submissions (2):

Labcorp Genetics (formerly Invitae), Labcorp
Classification: Uncertain significance. Last evaluated: 2025-11-28. Review status: criteria provided, single submitter. Criteria: Invitae Variant Classification Sherloc (09022015). Collection method: clinical testing. Allele origin: germline.
Comment: This sequence change replaces valine, which is neutral and non-polar, with isoleucine, which is neutral and non-polar, at codon 791 of the ENPP1 protein (p.Val791Ile). This variant is present in population databases (rs754738543, gnomAD 0.006%). This variant has not been reported in the literature in individuals affected with ENPP1-related conditions. ClinVar contains an entry for this variant (Variation ID: 3000685). Invitae Evidence Modeling of protein sequence and biophysical properties (such as structural, functional, and spatial information, amino acid conservation, physicochemical variation, residue mobility, and thermodynamic stability) indicates that this missense variant is not expected to disrupt ENPP1 protein function with a negative predictive value of 80%. In summary, the available evidence is currently insufficient to determine the role of this variant in disease. Therefore, it has been classified as a Variant of Uncertain Significance.

Fulgent Genetics
Classification: Uncertain significance for Type 2 diabetes mellitus; Arterial calcification, generalized, of infancy, 1; Inherited obesity; Hypophosphatemic rickets, autosomal recessive, 2; Hypopigmentation-punctate palmoplantar keratoderma syndrome. Last evaluated: 2024-05-16. Review status: criteria provided, single submitter. Criteria: ACMG Guidelines, 2015. Collection method: clinical testing. Allele origin: germline.

NM_006208.3(ENPP1):c.2371G>A (p.Val791Ile)

Gene: ENPP1 (ectonucleotide pyrophosphatase/phosphodiesterase 1; plus strand). Cytogenetic location: 6q23.2.
Variant type: single nucleotide variant.
Coding change: c.2371G>A on transcript NM_006208.3 (MANE Select); coding-DNA position 2371, G replaced by A.
Protein change: p.Val791Ile; replaces valine 791 with isoleucine.
Molecular consequence: missense variant.
Genome position (GRCh38, 1-based): chr6:131,884,990, G>A. VCF-style: chr6-131884990-G-A. GRCh37 (hg19) VCF-style: chr6-132206130-G-A.
Other names: short protein forms V791I.
Identifiers: ClinVar variation 3000685 (VCV003000685.4), dbSNP rs754738543, ClinGen allele CA4002513.